The following is an entry in ClinVar:

ClinVar aggregate classification (germline): Uncertain significance (1 of 4 stars; one submission).

gnomAD v4.1: 3 of 1,580,786 alleles (0.00019%); highest among the groups gnomAD compares: African/African-American, 0.0041%; no homozygotes.

Submission:

Women's Health and Genetics/Laboratory Corporation of America, LabCorp
Classification: Uncertain significance. Last evaluated: 2026-04-28. Review status: criteria provided, single submitter. Criteria: LabCorp Variant Classification Summary - May 2015. Collection method: clinical testing. Allele origin: germline.
Comment: Variant summary: WAC c.1872A>G (p.Gln624Gln) alters a conserved nucleotide located close to a canonical splice site and therefore could affect mRNA splicing, leading to a significantly altered protein sequence. Consensus agreement among computation tools predict no significant impact on normal splicing. However, these predictions have yet to be confirmed by functional studies. The frequency data for this variant in gnomAD is considered unreliable, as metrics indicate poor data quality at this position. To our knowledge, no occurrence of c.1872A>G in individuals affected with WAC-related conditions and no experimental evidence demonstrating its impact on protein function have been reported. No submitters have cited clinical-significance assessments for this variant to ClinVar. Based on the evidence outlined above, the variant was classified as uncertain significance.

NM_016628.5(WAC):c.1872A>G (p.Gln624=)

Gene: WAC (WW domain containing adaptor with coiled-coil; plus strand). Cytogenetic location: 10p12.1.
Variant type: single nucleotide variant.
Coding change: c.1872A>G on transcript NM_016628.5 (MANE Select); coding-DNA position 1872, A replaced by G.
Protein change: p.Gln624=; no amino-acid change (glutamine 624 retained).
Molecular consequence: synonymous variant.
Genome position (GRCh38, 1-based): chr10:28,617,782, A>G. VCF-style: chr10-28617782-A-G. GRCh37 (hg19) VCF-style: chr10-28906711-A-G.
Other names: c.1737A>G, p.Gln579= (NM_100264.3); c.1563A>G, p.Gln521= (NM_100486.4).
Identifiers: ClinVar variation 4848931 (VCV004848931.1).
Genomic context (GRCh38, chr10:28,617,782, plus strand): 5'-ATTAAAAAATTTAAGATCTTTAGTCCGAGTATGTGAAATTCAAGCAACTTTGCGAGAGCA[A>G]AGGTAAGTCTTTCACTGAAATATATTTTTATGTTTCTCAGGATTATGATTCTTAAATCGA-3'
Protein context (NP_057712.2, residues 614-634): VCEIQATLRE[Gln624=]RILFLRQQIK